The following is an entry in ClinVar:

NM_015215.4(CAMTA1):c.3100T>C (p.Phe1034Leu)

Gene: CAMTA1 (calmodulin binding transcription activator 1; plus strand). Cytogenetic location: 1p36.23.
Variant type: single nucleotide variant.
Coding change: c.3100T>C on transcript NM_015215.4 (MANE Select); coding-DNA position 3100, T replaced by C.
Protein change: p.Phe1034Leu; replaces phenylalanine 1034 with leucine.
Molecular consequence: missense variant.
Genome position (GRCh38, 1-based): chr1:7,736,377, T>C. VCF-style: chr1-7736377-T-C. GRCh37 (hg19) VCF-style: chr1-7796437-T-C.
Other names: c.3010T>C, p.Phe1004Leu (NM_001349608.2, NM_001349612.2); c.3100T>C, p.Phe1034Leu (NM_001349609.2, NM_001349610.2, NM_001410737.1); c.229T>C, p.Phe77Leu (NM_001349613.1); c.172T>C, p.Phe58Leu (NM_001349614.1, NM_001349615.2, NM_001349616.2 and 10 more transcripts); c.3028T>C, p.Phe1010Leu (NM_001410738.1); short protein forms F1004L, F1010L, F1034L, F58L, F77L.
Identifiers: ClinVar variation 4536192 (VCV004536192.1).
Genomic context (GRCh38, chr1:7,736,377, plus strand): 5'-GTCGTAACGTGCGCTTTTTTGTGACAGTGTGCTTCTGGGACTGGGGCCTTGGGGAGCTGC[T>C]TTGAGAGCCGTGTGGTCGTGGTATGCGAGAAGATGATGAGCCGAGCCTGCTGGGCGAAGT-3'
Protein context (NP_056030.1, residues 1024-1044): ASGTGALGSC[Phe1034Leu]ESRVVVVCEK

ClinVar aggregate classification (germline): Uncertain significance (1 of 4 stars; one submission).

gnomAD v4.1: 1 of 1,614,040 alleles (0.000062%); highest among the groups gnomAD compares: Admixed American, 0.0017%; no homozygotes.

Submission:

GeneDx
Classification: Uncertain significance. Last evaluated: 2025-06-07. Review status: criteria provided, single submitter. Criteria: GeneDx Variant Classification Process June 2021. Collection method: clinical testing. Allele origin: germline. Affected: yes.
Comment: Not observed at significant frequency in large population cohorts (gnomAD); In silico analysis supports that this missense variant has a deleterious effect on protein structure/function; Has not been previously published as pathogenic or benign to our knowledge